The following is an entry in ClinVar:

NM_020937.4(FANCM):c.5078G>A (p.Ser1693Asn)

Gene: FANCM (FA complementation group M; plus strand). Cytogenetic location: 14q21.2.
Variant type: single nucleotide variant.
Coding change: c.5078G>A on transcript NM_020937.4 (MANE Select); coding-DNA position 5078, G replaced by A.
Protein change: p.Ser1693Asn; replaces serine 1693 with asparagine.
Molecular consequence: missense variant.
Genome position (GRCh38, 1-based): chr14:45,189,100, G>A. VCF-style: chr14-45189100-G-A. GRCh37 (hg19) VCF-style: chr14-45658303-G-A.
Other names: c.5000G>A, p.Ser1667Asn (NM_001308133.2); short protein forms S1667N, S1693N.
Identifiers: ClinVar variation 842787 (VCV000842787.12), dbSNP rs528554660, ClinGen allele CA7169902.

ClinVar aggregate classification (germline): Uncertain significance. Review status: criteria provided, multiple submitters, no conflicts (2 of 4 stars). 3 submissions from 3 submitters: Uncertain significance (3). Last evaluated 2025-04-10.

Conditions:
Inborn genetic diseases. Identifiers: MedGen C0950123, MeSH D030342.
Fanconi anemia (FA). Also called: Fanconi's anemia. Identifiers: Orphanet 84, MedGen C0015625, MeSH D005199, MONDO:0019391.

Allele frequency attached by ClinVar (database versions not stated): gnomAD below 0.00001 and 0.00002; gnomAD exomes 0.00004 and 0.00007; ExAC 0.00006; 1000 Genomes Project 30x 0.00016; 1000 Genomes Project 0.00020.
gnomAD v4.1: 60 of 1,614,186 alleles (0.0037%); highest among the groups gnomAD compares: South Asian, 0.057%; 1 homozygote.

Submissions (3):

Labcorp Genetics (formerly Invitae), Labcorp
Classification: Uncertain significance for Fanconi anemia. Last evaluated: 2025-04-10. Review status: criteria provided, single submitter. Criteria: Invitae Variant Classification Sherloc (09022015). Collection method: clinical testing. Allele origin: germline.
Comment: This sequence change replaces serine, which is neutral and polar, with asparagine, which is neutral and polar, at codon 1693 of the FANCM protein (p.Ser1693Asn). This variant is present in population databases (rs528554660, gnomAD 0.05%). This variant has not been reported in the literature in individuals affected with FANCM-related conditions. ClinVar contains an entry for this variant (Variation ID: 842787). An algorithm developed to predict the effect of missense changes on protein structure and function outputs the following: PolyPhen-2: "Benign". The asparagine amino acid residue is found in multiple mammalian species, which suggests that this missense change does not adversely affect protein function. In summary, the available evidence is currently insufficient to determine the role of this variant in disease. Therefore, it has been classified as a Variant of Uncertain Significance.

Ambry Genetics
Classification: Uncertain significance for Inborn genetic diseases. Last evaluated: 2024-10-04. Review status: criteria provided, single submitter. Criteria: Ambry Variant Classification Scheme 2023. Collection method: clinical testing. Allele origin: germline.

GeneDx
Classification: Uncertain significance. Last evaluated: 2022-08-04. Review status: criteria provided, single submitter. Criteria: GeneDx Variant Classification Process June 2021. Collection method: clinical testing. Allele origin: germline. Affected: yes.
Comment: In silico analysis supports that this missense variant does not alter protein structure/function; Has not been previously published as pathogenic or benign to our knowledge